The following is an entry in ClinVar:

NM_152703.5(SAMD9L):c.1768T>A (p.Trp590Arg)

Gene: SAMD9L (sterile alpha motif domain containing 9 like; minus strand). Cytogenetic location: 7q21.2.
Variant type: single nucleotide variant.
Coding change: c.1768T>A on transcript NM_152703.5 (MANE Select); coding-DNA position 1768, T replaced by A.
Protein change: p.Trp590Arg; replaces tryptophan 590 with arginine.
Molecular consequence: missense variant.
Genome position (GRCh38, 1-based): chr7:93,134,204, A>T on the plus strand (T>A on the coding strand, the complement: SAMD9L is on the minus strand). VCF-style: chr7-93134204-A-T. GRCh37 (hg19) VCF-style: chr7-92763517-A-T.
Other names: c.1768T>A, p.Trp590Arg (NM_001303496.3, NM_001303497.3, NM_001303498.3 and 5 more transcripts); short protein forms W590R.
Identifiers: ClinVar variation 2988449 (VCV002988449.3), dbSNP rs2116493596, ClinGen allele CA368194702.

ClinVar aggregate classification (germline): Uncertain significance (1 of 4 stars; one submission).

Submission:

Labcorp Genetics (formerly Invitae), Labcorp
Classification: Uncertain significance. Last evaluated: 2022-10-29. Review status: criteria provided, single submitter. Criteria: Invitae Variant Classification Sherloc (09022015). Collection method: clinical testing. Allele origin: germline.
Comment: This sequence change replaces tryptophan, which is neutral and slightly polar, with arginine, which is basic and polar, at codon 590 of the SAMD9L protein (p.Trp590Arg). In summary, the available evidence is currently insufficient to determine the role of this variant in disease. Therefore, it has been classified as a Variant of Uncertain Significance. Advanced modeling of protein sequence and biophysical properties (such as structural, functional, and spatial information, amino acid conservation, physicochemical variation, residue mobility, and thermodynamic stability) performed at Invitae indicates that this missense variant is expected to disrupt SAMD9L protein function. This variant has not been reported in the literature in individuals affected with SAMD9L-related conditions. This variant is not present in population databases (gnomAD no frequency).